The following is an entry in ClinVar:

ClinVar aggregate classification (germline): Uncertain significance (1 of 4 stars; one submission).

Conditions:
Wiedemann-Steiner syndrome (WDSTS). Also called: Growth deficiency and mental retardation with facial dysmorphism. Identifiers: Orphanet 319182, MedGen C1854630, MONDO:0011518, OMIM 605130.

Submission:

Juno Genomics, Hangzhou Juno Genomics, Inc
Classification: Uncertain significance for Wiedemann-Steiner syndrome. Review status: criteria provided, single submitter. Criteria: ACMG Guidelines, 2015. Collection method: clinical testing. Allele origin: germline. Affected: yes.

NM_001197104.2(KMT2A):c.3569+5G>C

Gene: KMT2A (lysine methyltransferase 2A; plus strand). Cytogenetic location: 11q23.3.
Variant type: single nucleotide variant.
Coding change: c.3569+5G>C on transcript NM_001197104.2 (MANE Select); 5 bases into the intron after coding-DNA position 3569, G replaced by C.
Molecular consequence: intron variant.
Genome position (GRCh38, 1-based): chr11:118,478,206, G>C. VCF-style: chr11-118478206-G-C. GRCh37 (hg19) VCF-style: chr11-118348921-G-C.
Other names: c.3668+5G>C (NM_001412597.1); c.3569+5G>C (NM_005933.4).
Identifiers: ClinVar variation 5007626 (VCV005007626.1).
Genomic context (GRCh38, chr11:118,478,206, plus strand): 5'-AATTGCTTAGATAAGCCCAAGTTTGGTGGTCGCAATATAAAGAAGCAGTGCTGCAAGTAA[G>C]TGGGTGTTTCACTCTGAGATGTTGACCTCTCAACCATAAAGGTTGCTTATTTATCCCTAG-3'